The following is an entry in ClinVar:

NM_000535.7(PMS2):c.2258T>C (p.Phe753Ser)

Gene: PMS2 (PMS1 homolog 2, mismatch repair system component; minus strand). Cytogenetic location: 7p22.1.
Variant type: single nucleotide variant.
Coding change: c.2258T>C on transcript NM_000535.7 (MANE Select); coding-DNA position 2258, T replaced by C.
Protein change: p.Phe753Ser; replaces phenylalanine 753 with serine.
Molecular consequence: missense variant. On other transcripts: non-coding transcript variant (1).
Genome position (GRCh38, 1-based): chr7:5,978,613, A>G on the plus strand (T>C on the coding strand, the complement: PMS2 is on the minus strand). VCF-style: chr7-5978613-A-G. GRCh37 (hg19) VCF-style: chr7-6018244-A-G.
Other names: c.1853T>C, p.Phe618Ser (NM_001018040.1, NM_001322003.2, NM_001322004.2 and 15 more transcripts); c.2102T>C, p.Phe701Ser (NM_001322006.2, NM_001406870.1); c.1940T>C, p.Phe647Ser (NM_001322007.2, NM_001322008.2, NM_001406876.1 and 1 more transcripts); c.1697T>C, p.Phe566Ser (NM_001322010.2, NM_001406906.1, NM_001406907.1); c.1325T>C, p.Phe442Ser (NM_001322011.2, NM_001322012.2); c.1685T>C, p.Phe562Ser (NM_001322013.2, NM_001406908.1, NM_001406909.1); c.2258T>C, p.Phe753Ser (NM_001322014.2); c.1949T>C, p.Phe650Ser (NM_001322015.2, NM_001406875.1, NM_001406877.1 and 5 more transcripts); and 14 more; short protein forms F352S, F566S, F598S, F645S, F717S, F442S, F591S, F595S.
Identifiers: ClinVar variation 1788552 (VCV001788552.5), dbSNP rs2535387935, ClinGen allele CA366736499.

ClinVar aggregate classification (germline): Uncertain significance. Review status: criteria provided, multiple submitters, no conflicts (2 of 4 stars). 2 submissions from 2 submitters: Uncertain significance (2). Last evaluated 2023-08-11.

Conditions:
Hereditary cancer-predisposing syndrome. Also called: Hereditary Cancer Syndrome; Hereditary neoplastic syndrome; Tumor predisposition; Neoplastic Syndromes, Hereditary. Identifiers: Orphanet 140162, MedGen C0027672, MeSH D009386, MONDO:0015356.
Hereditary nonpolyposis colorectal neoplasms. Identifiers: MedGen C0009405, MeSH D003123.

Submissions (2):

Labcorp Genetics (formerly Invitae), Labcorp
Classification: Uncertain significance for Hereditary nonpolyposis colorectal neoplasms. Last evaluated: 2023-08-11. Review status: criteria provided, single submitter. Criteria: Invitae Variant Classification Sherloc (09022015). Collection method: clinical testing. Allele origin: germline.
Comment: ClinVar contains an entry for this variant (Variation ID: 1788552). This variant has not been reported in the literature in individuals affected with PMS2-related conditions. The frequency data for this variant in the population databases (gnomAD) is considered unreliable due to the presence of homologous sequence, such as pseudogenes or paralogs, in the genome. This sequence change replaces phenylalanine, which is neutral and non-polar, with serine, which is neutral and polar, at codon 753 of the PMS2 protein (p.Phe753Ser). Advanced modeling of protein sequence and biophysical properties (such as structural, functional, and spatial information, amino acid conservation, physicochemical variation, residue mobility, and thermodynamic stability) performed at Invitae indicates that this missense variant is expected to disrupt PMS2 protein function. In summary, the available evidence is currently insufficient to determine the role of this variant in disease. Therefore, it has been classified as a Variant of Uncertain Significance.

Ambry Genetics
Classification: Uncertain significance for Hereditary cancer-predisposing syndrome. Last evaluated: 2022-03-19. Review status: criteria provided, single submitter. Criteria: Ambry Variant Classification Scheme 2023. Collection method: clinical testing. Allele origin: germline.
Comment: The p.F753S variant (also known as c.2258T>C), located in coding exon 13 of the PMS2 gene, results from a T to C substitution at nucleotide position 2258. The phenylalanine at codon 753 is replaced by serine, an amino acid with highly dissimilar properties. This amino acid position is conserved. In addition, this alteration is predicted to be deleterious by in silico analysis. Since supporting evidence is limited at this time, the clinical significance of this alteration remains unclear.